The following is an entry in ClinVar:

NC_012920.1(MT-CO3):m.9813T>C

Gene: MT-CO3 (mitochondrially encoded cytochrome c oxidase III; plus strand).
Variant type: single nucleotide variant.
Genome position: chrM-9813-T-C.
Identifiers: ClinVar variation 693231 (VCV000693231.1), dbSNP rs1556423727, ClinGen allele CA414803766.

ClinVar aggregate classification (germline): Uncertain significance (1 of 4 stars; one submission).

Conditions:
Leigh syndrome (NULS). Also called: Leigh's necrotizing encephalopathy; Leigh's disease; Leigh Syndrome (mtDNA deletion); Leigh Disease; Subacute necrotizing encephalopathy; Necrotizing encephalopathy infantile subacute of Leigh. Identifiers: Orphanet 506, MedGen C2931891, MONDO:0009723, OMIM 256000.

Submission:

Wong Mito Lab, Molecular and Human Genetics, Baylor College of Medicine
Classification: Uncertain significance for Leigh syndrome. Last evaluated: 2019-10-17. Review status: criteria provided, single submitter. Criteria: Modified ACMG Guidelines (Unpublished). Collection method: clinical testing. Allele origin: germline.
Comment: The NC_012920.1:m.9813T>C (YP_003024032.1:p.Phe203Leu) variant in MTCO3 gene is interpretated to be a Uncertain Significance variant based on the modified ACMG guidelines (unpublished). This variant meets the following evidence codes: PP6